The following is an entry in ClinVar:

NM_006186.4(NR4A2):c.899T>C (p.Leu300Ser)

Gene: NR4A2 (nuclear receptor subfamily 4 group A member 2; minus strand). Cytogenetic location: 2q24.1.
Variant type: single nucleotide variant.
Coding change: c.899T>C on transcript NM_006186.4 (MANE Select); coding-DNA position 899, T replaced by C.
Protein change: p.Leu300Ser; replaces leucine 300 with serine.
Molecular consequence: missense variant.
Genome position (GRCh38, 1-based): chr2:156,328,499, A>G on the plus strand (T>C on the coding strand, the complement: NR4A2 is on the minus strand). VCF-style: chr2-156328499-A-G. GRCh37 (hg19) VCF-style: chr2-157185011-A-G.
Other names: c.899T>C (NM_006186.3); c.710T>C, p.Leu237Ser (NM_173173.3); short protein forms L237S, L300S.
Identifiers: ClinVar variation 2434437 (VCV002434437.4), dbSNP rs1686759342, ClinGen allele CA348681417.

ClinVar aggregate classification (germline): Uncertain significance. Review status: criteria provided, multiple submitters, no conflicts (2 of 4 stars). 2 submissions from 2 submitters: Uncertain significance (2). Last evaluated 2024-02-05.

Conditions:
Intellectual developmental disorder with language impairment and early-onset DOPA-responsive dystonia-parkinsonism (IDLDP). Identifiers: Orphanet 660017, MedGen C5677001, MONDO:0859257, OMIM 619911.

Allele frequency attached by ClinVar (database versions not stated): TOPMed below 0.00001.

Submissions (2):

GeneDx
Classification: Uncertain significance. Last evaluated: 2024-02-05. Review status: criteria provided, single submitter. Criteria: GeneDx Variant Classification Process June 2021. Collection method: clinical testing. Allele origin: germline. Affected: yes.
Comment: Not observed at significant frequency in large population cohorts (gnomAD); In silico analysis supports that this missense variant has a deleterious effect on protein structure/function; Has not been previously published as pathogenic or benign to our knowledge

Revvity Omics, Revvity
Classification: Uncertain significance for Intellectual developmental disorder with language impairment and early-onset DOPA-responsive dystonia-parkinsonism. Last evaluated: 2021-11-29. Review status: criteria provided, single submitter. Criteria: ACMG Guidelines, 2015. Collection method: clinical testing. Allele origin: germline.